The following is an entry in ClinVar:

ClinVar aggregate classification (germline): Likely benign (1 of 4 stars; one submission).

Conditions:
Hereditary diffuse gastric adenocarcinoma (HDGC). Also called: DIFFUSE GASTRIC AND LOBULAR BREAST CANCER SYNDROME. Identifiers: Orphanet 26106, MedGen C1708349, MONDO:0007648, OMIM 137215.

Submission:

Myriad Genetics, Inc.
Classification: Likely benign for Hereditary diffuse gastric adenocarcinoma. Last evaluated: 2024-10-15. Review status: criteria provided, single submitter. Criteria: Myriad Autosomal Dominant, Autosomal Recessive and X-Linked Classification Criteria (2023). Collection method: clinical testing. Allele origin: unknown.
Comment: This variant is considered likely benign. This variant is intronic and is not expected to impact mRNA splicing.

NM_001903.5(CTNNA1):c.2434-12_2434-9dup

Gene: CTNNA1 (catenin alpha 1; plus strand). Cytogenetic location: 5q31.2.
Variant type: Duplication.
Coding change: c.2434-12_2434-9dup on transcript NM_001903.5 (MANE Select); 12 bases into the intron before coding-DNA position 2434 through 9 bases into the intron before coding-DNA position 2434, 4 bases duplicated (TCTG; older notation c.2434-12_2434-9dupTCTG).
Molecular consequence: intron variant.
Genome position (GRCh38, 1-based): chr5:138,933,790-138,933,793, TCTG duplicated; duplicating any 4 consecutive bases within chr5:138,933,787-138,933,793 gives the same sequence; the c. name uses the placement nearest the transcript's 3' end. VCF-style (leftmost placement, unchanged base first): chr5-138933786-C-CCTGT. GRCh37 (hg19) VCF-style: chr5-138269475-C-CCTGT.
Other names: c.2434-12_2434-9dup (NM_001323982.2, NM_001323984.2, NM_001323983.1); c.2505-12_2505-9dup (NM_001290307.3); c.2434-39_2434-36dup (NM_001323985.2); c.2341-12_2341-9dup (NM_001323986.2); c.2065-12_2065-9dup (NM_001290310.3); c.2125-12_2125-9dup (NM_001290309.3); c.1324-12_1324-9dup (NM_001323996.1, NM_001323993.1, NM_001323998.1 and 12 more transcripts); c.1395-12_1395-9dup (NM_001324005.1, NM_001324003.1, NM_001324002.1 and 1 more transcripts); and 4 more.
Identifiers: ClinVar variation 3773450 (VCV003773450.1).